The following is an entry in ClinVar:

ClinVar aggregate classification (germline): Likely pathogenic (1 of 4 stars; one submission).

Conditions:
Familial thoracic aortic aneurysm and aortic dissection (TAAD). Also called: Thoracic aortic aneurysms and dissections. Identifiers: Orphanet 91387, MedGen C4707243, MONDO:0019625.

Submission:

Ambry Genetics
Classification: Likely pathogenic for Familial thoracic aortic aneurysm and aortic dissection. Last evaluated: 2021-02-08. Review status: criteria provided, single submitter. Criteria: Ambry Variant Classification Scheme 2023. Collection method: clinical testing. Allele origin: germline.
Comment: The p.E104* variant (also known as c.310G>T), located in coding exon 1 of the TGFB3 gene, results from a G to T substitution at nucleotide position 310. This changes the amino acid from a glutamic acid to a stop codon within coding exon 1. This alteration is expected to result in premature protein truncation or nonsense-mediated mRNA decay. While loss of function has not yet been clearly established as a mechanism of disease for TGFB3, alterations resulting in haploinsufficiency have been reported in patients with features consistent with manifestations of Loeys-Dietz syndrome (Schepers D et al. Hum Mutat. 2018;39(5):621-634; Ambry internal data). Based on the majority of available evidence to date, this variant is likely to be pathogenic.

NM_003239.5(TGFB3):c.310G>T (p.Glu104Ter)

Gene: TGFB3 (transforming growth factor beta 3; minus strand). Cytogenetic location: 14q24.3.
Variant type: single nucleotide variant.
Coding change: c.310G>T on transcript NM_003239.5 (MANE Select); coding-DNA position 310, G replaced by T.
Protein change: p.Glu104Ter; replaces glutamic acid 104 with a stop codon.
Molecular consequence: nonsense.
Genome position (GRCh38, 1-based): chr14:75,980,584, C>A on the plus strand (G>T on the coding strand, the complement: TGFB3 is on the minus strand). VCF-style: chr14-75980584-C-A. GRCh37 (hg19) VCF-style: chr14-76446927-C-A.
Other names: c.310G>T, p.Glu104Ter (NM_001329938.2, NM_001329939.2); short protein forms E104*.
Identifiers: ClinVar variation 1727738 (VCV001727738.2), dbSNP rs2503023443, ClinGen allele CA390470964.